The following is an entry in ClinVar:

ClinVar aggregate classification (germline): Uncertain significance. Review status: criteria provided, multiple submitters, no conflicts (2 of 4 stars). 2 submissions from 2 submitters: Uncertain significance (2). Last evaluated 2026-07-26.

Conditions:
Cardiovascular phenotype. Identifiers: MedGen CN230736.
Familial hypercholesterolemia. Also called: Familial hypercholesterolemias; Familial hypercholesterolaemia. Identifiers: MedGen C0020445, MONDO:0005439.

Submissions (2):

Ambry Genetics
Classification: Uncertain significance for Cardiovascular phenotype. Last evaluated: 2026-07-26. Review status: criteria provided, single submitter. Criteria: Ambry Variant Classification Scheme 2023. Collection method: clinical testing. Allele origin: germline.
Comment: The p.Y142D variant (also known as c.424T>G), located in coding exon 3 of the PCSK9 gene, results from a T to G substitution at nucleotide position 424. The tyrosine at codon 142 is replaced by aspartic acid, an amino acid with highly dissimilar properties. This amino acid position is conserved. In addition, the in silico prediction for this alteration is inconclusive. Based on the available evidence, the clinical significance of this variant remains unclear.

Color Diagnostics, LLC DBA Color Health
Classification: Uncertain significance for Familial hypercholesterolemia. Last evaluated: 2024-03-06. Review status: criteria provided, single submitter. Criteria: ACMG Guidelines, 2015. Collection method: clinical testing. Allele origin: germline.
Comment: This missense variant replaces tyrosine with aspartic acid at codon 142 of the PCSK9 protein. Computational prediction is inconclusive regarding the impact of this variant on protein structure and function (internally defined REVEL score threshold 0.5 < inconclusive < 0.7, PMID: 27666373). Splice site prediction tools suggest that this variant may not impact RNA splicing. To our knowledge, functional studies have not been performed for this variant. This variant has not been reported in individuals affected with familial hypercholesterolemia in the literature. This variant has not been identified in the general population by the Genome Aggregation Database (gnomAD). The available evidence is insufficient to determine the role of this variant in disease conclusively. Therefore, this variant is classified as a Variant of Uncertain Significance.

NM_174936.4(PCSK9):c.424T>G (p.Tyr142Asp)

Gene: PCSK9 (proprotein convertase subtilisin/kexin type 9; plus strand). Cytogenetic location: 1p32.3.
Variant type: single nucleotide variant.
Coding change: c.424T>G on transcript NM_174936.4 (MANE Select); coding-DNA position 424, T replaced by G.
Protein change: p.Tyr142Asp; replaces tyrosine 142 with aspartic acid.
Molecular consequence: missense variant.
Genome position (GRCh38, 1-based): chr1:55,046,547, T>G. VCF-style: chr1-55046547-T-G. GRCh37 (hg19) VCF-style: chr1-55512220-T-G.
Other names: short protein forms Y142D.
Identifiers: ClinVar variation 920168 (VCV000920168.5), dbSNP rs1644636004, ClinGen allele CA340484531.